The following is an entry in ClinVar:

NM_001048174.2(MUTYH):c.173T>G (p.Leu58Arg)

Gene: MUTYH (mutY DNA glycosylase; minus strand). Cytogenetic location: 1p34.1.
Variant type: single nucleotide variant.
Coding change: c.173T>G on transcript NM_001048174.2 (MANE Select); coding-DNA position 173, T replaced by G.
Protein change: p.Leu58Arg; replaces leucine 58 with arginine.
Molecular consequence: missense variant. On other transcripts: 5 prime UTR variant (1), non-coding transcript variant (5), intron variant (5).
Genome position (GRCh38, 1-based): chr1:45,333,504, A>C on the plus strand (T>G on the coding strand, the complement: MUTYH is on the minus strand). VCF-style: chr1-45333504-A-C. GRCh37 (hg19) VCF-style: chr1-45799176-A-C.
Other names: c.173T>G, p.Leu58Arg (NM_001048171.2, NM_001048173.2, NM_001293195.2 and 6 more transcripts); c.176T>G, p.Leu59Arg (NM_001048172.2, NM_001407071.1, NM_001407078.1 and 2 more transcripts); c.257T>G, p.Leu86Arg (NM_001128425.2); c.218T>G, p.Leu73Arg (NM_001293190.2); c.206T>G, p.Leu69Arg (NM_001293191.2, NM_001407077.1); c.-99T>G (NM_001350650.2); c.248T>G, p.Leu83Arg (NM_001407069.1, NM_012222.3); c.215T>G, p.Leu72Arg (NM_001407073.1, NM_001407083.1, NM_001407085.1); and 4 more; short protein forms L30R, L69R, L58R, L65R, L73R, L59R, L86R, L72R.
Identifiers: ClinVar variation 4113552 (VCV004113552.1).

ClinVar aggregate classification (germline): Uncertain significance (1 of 4 stars; one submission).

Conditions:
Hereditary cancer-predisposing syndrome. Also called: Hereditary neoplastic syndrome; Neoplastic Syndromes, Hereditary; Tumor predisposition; Hereditary Cancer Syndrome. Identifiers: Orphanet 140162, MedGen C0027672, MeSH D009386, MONDO:0015356.

Submission:

Ambry Genetics
Classification: Uncertain significance for Hereditary cancer-predisposing syndrome. Last evaluated: 2025-08-27. Review status: criteria provided, single submitter. Criteria: Ambry Variant Classification Scheme 2023. Collection method: clinical testing. Allele origin: germline.
Comment: The p.L86R variant (also known as c.257T>G), located in coding exon 3 of the MUTYH gene, results from a T to G substitution at nucleotide position 257. The leucine at codon 86 is replaced by arginine, an amino acid with dissimilar properties. This amino acid position is conserved. In addition, this alteration is predicted to be tolerated by in silico analysis. Based on the available evidence, the clinical significance of this variant remains unclear.